The following is an entry in ClinVar:

NM_001145358.2(SIN3A):c.3794A>G (p.Lys1265Arg)

Gene: SIN3A (SIN3 transcription regulator family member A; minus strand). Cytogenetic location: 15q24.2.
Variant type: single nucleotide variant.
Coding change: c.3794A>G on transcript NM_001145358.2 (MANE Select); coding-DNA position 3794, A replaced by G.
Protein change: p.Lys1265Arg; replaces lysine 1265 with arginine.
Molecular consequence: missense variant.
Genome position (GRCh38, 1-based): chr15:75,372,007, T>C on the plus strand (A>G on the coding strand, the complement: SIN3A is on the minus strand). VCF-style: chr15-75372007-T-C. GRCh37 (hg19) VCF-style: chr15-75664348-T-C.
Other names: c.3794A>G, p.Lys1265Arg (NM_001145357.2, NM_015477.3); short protein forms K1265R.
Identifiers: ClinVar variation 2900796 (VCV002900796.3), dbSNP rs368269677, ClinGen allele CA7667168.
Genomic context (GRCh38, chr15:75,372,007, plus strand): 5'-CACACCCCAAGTTATCTGCTCTGGCTTTGCAGTTAAGGGGCTTTGAATACTGTGCCGTAT[T>C]TGACACGATACTTGTTAATGCTCACAAAATGCAGGGTCTCTGTATCACAGGTGGTGGTAC-3'
Protein context (NP_001138830.1, residues 1255-1273): HFVSINKYRV[Lys1265Arg]YGTVFKAP

ClinVar aggregate classification (germline): Uncertain significance (1 of 4 stars; one submission).

Allele frequency attached by ClinVar (database versions not stated): gnomAD 0.00001; TOPMed 0.00001; ExAC 0.00002; gnomAD exomes 0.00002; ESP Exome Variant Server 0.00008.
gnomAD v4.1: 38 of 1,614,094 alleles (0.0024%); highest among the groups gnomAD compares: Non-Finnish European, 0.0031%; no homozygotes.

Submission:

Labcorp Genetics (formerly Invitae), Labcorp
Classification: Uncertain significance. Last evaluated: 2022-11-30. Review status: criteria provided, single submitter. Criteria: Invitae Variant Classification Sherloc (09022015). Collection method: clinical testing. Allele origin: germline.
Comment: In summary, the available evidence is currently insufficient to determine the role of this variant in disease. Therefore, it has been classified as a Variant of Uncertain Significance. Advanced modeling of protein sequence and biophysical properties (such as structural, functional, and spatial information, amino acid conservation, physicochemical variation, residue mobility, and thermodynamic stability) performed at Invitae indicates that this missense variant is not expected to disrupt SIN3A protein function. This sequence change replaces lysine, which is basic and polar, with arginine, which is basic and polar, at codon 1265 of the SIN3A protein (p.Lys1265Arg). This variant is present in population databases (rs368269677, gnomAD 0.003%). This variant has not been reported in the literature in individuals affected with SIN3A-related conditions.